The following is an entry in ClinVar:

NM_004991.4(MECOM):c.755G>A (p.Ser252Asn)

Gene: MECOM (MDS1 and EVI1 complex locus; minus strand). Cytogenetic location: 3q26.2.
Variant type: single nucleotide variant.
Coding change: c.755G>A on transcript NM_004991.4 (MANE Select); coding-DNA position 755, G replaced by A.
Protein change: p.Ser252Asn; replaces serine 252 with asparagine.
Molecular consequence: missense variant.
Genome position (GRCh38, 1-based): chr3:169,127,919, C>T on the plus strand (G>A on the coding strand, the complement: MECOM is on the minus strand). VCF-style: chr3-169127919-C-T. GRCh37 (hg19) VCF-style: chr3-168845707-C-T.
Other names: c.755G>A (NM_004991.3); c.191G>A, p.Ser64Asn (NM_001366471.2, NM_001366472.2, NM_001366474.2 and 9 more transcripts); c.755G>A, p.Ser252Asn (NM_001366473.2, NM_001366466.2); c.383G>A, p.Ser128Asn (NM_001105077.4); short protein forms S64N, S128N, S252N.
Identifiers: ClinVar variation 3684712 (VCV003684712.3).
Genomic context (GRCh38, chr3:169,127,919, plus strand): 5'-AAAACTTGGTCACATTCCTTACACTCCTGGATCGTGTGTATCTCTTGGAGATCATTCTCG[C>T]TTTCGAGTTTTTGCTGAAAGTCCTCTTCAACCATTGAAAATGCTGAGTGAGGAGTACTGC-3'
Protein context (NP_004982.2, residues 242-262): VEEDFQQKLE[Ser252Asn]ENDLQEIHTI

ClinVar aggregate classification (germline): Uncertain significance. Review status: criteria provided, multiple submitters, no conflicts (2 of 4 stars). 2 submissions from 2 submitters: Uncertain significance (2). Last evaluated 2025-01-04.

Conditions:
Inborn genetic diseases. Identifiers: MedGen C0950123, MeSH D030342.

gnomAD v4.1: 2 of 1,614,076 alleles (0.00012%); highest among the groups gnomAD compares: Admixed American, 0.0017%; no homozygotes.

Submissions (2):

Ambry Genetics
Classification: Uncertain significance for Inborn genetic diseases. Last evaluated: 2025-01-04. Review status: criteria provided, single submitter. Criteria: Ambry Variant Classification Scheme 2023. Collection method: clinical testing. Allele origin: germline.
Comment: The p.S252N variant (also known as c.755G>A), located in coding exon 5 of the MECOM gene, results from a G to A substitution at nucleotide position 755. The serine at codon 252 is replaced by asparagine, an amino acid with highly similar properties. This amino acid position is conserved. In addition, this alteration is predicted to be tolerated by in silico analysis. Based on the available evidence, the clinical significance of this variant remains unclear.

Labcorp Genetics (formerly Invitae), Labcorp
Classification: Uncertain significance. Last evaluated: 2024-10-26. Review status: criteria provided, single submitter. Criteria: Invitae Variant Classification Sherloc (09022015). Collection method: clinical testing. Allele origin: germline.
Comment: This sequence change replaces serine, which is neutral and polar, with asparagine, which is neutral and polar, at codon 64 of the MECOM protein (p.Ser64Asn). This variant is present in population databases (no rsID available, gnomAD 0.0009%). This variant has not been reported in the literature in individuals affected with MECOM-related conditions. An algorithm developed to predict the effect of missense changes on protein structure and function outputs the following: PolyPhen-2: "Benign". The asparagine amino acid residue is found in multiple mammalian species, which suggests that this missense change does not adversely affect protein function. In summary, the available evidence is currently insufficient to determine the role of this variant in disease. Therefore, it has been classified as a Variant of Uncertain Significance.